The following is an entry in ClinVar:

NM_000069.3(CACNA1S):c.4883T>C (p.Leu1628Pro)

Gene: CACNA1S (calcium voltage-gated channel subunit alpha1 S; minus strand). Cytogenetic location: 1q32.1.
Variant type: single nucleotide variant.
Coding change: c.4883T>C on transcript NM_000069.3 (MANE Select); coding-DNA position 4883, T replaced by C.
Protein change: p.Leu1628Pro; replaces leucine 1628 with proline.
Molecular consequence: missense variant.
Genome position (GRCh38, 1-based): chr1:201,043,446, A>G on the plus strand (T>C on the coding strand, the complement: CACNA1S is on the minus strand). VCF-style: chr1-201043446-A-G. GRCh37 (hg19) VCF-style: chr1-201012574-A-G.
Other names: p.Leu1628Pro; c.4883T>C (NM_000069.2); short protein forms L1628P.
Identifiers: ClinVar variation 1539769 (VCV001539769.12), dbSNP rs576536458, ClinGen allele CA083621.

ClinVar aggregate classification (germline): Conflicting classifications of pathogenicity. Review status: criteria provided, conflicting classifications (1 of 4 stars). 6 submissions from 6 submitters: Uncertain significance (5); Likely benign (1). Last evaluated 2025-11-22.

Conditions:
Hypokalemic periodic paralysis, type 1. Also called: HypoPP; Hypokalemic Periodic Paralysis Type 1 (AD). Identifiers: Orphanet 681, MedGen C3714580, MONDO:0042979, OMIM 170400.
Thyrotoxic periodic paralysis, susceptibility to, 1 (TTPP1). Identifiers: Orphanet 79102, MedGen C2749982, MONDO:0008570, OMIM 188580.
Congenital myopathy 18. Also called: DIHYDROPYRIDINE RECEPTOR CONGENITAL MYOPATHY; DHPR CONGENITAL MYOPATHY; Myopathy, congenital, due to dihydropyridine receptor defect. Identifiers: MedGen C5830283, MONDO:0859514, OMIM 620246.
Malignant hyperthermia, susceptibility to, 5 (MHS5). Also called: CACNA1S-Related Malignant Hyperthermia Susceptibility. Identifiers: Orphanet 423, MedGen C1866077, MONDO:0011163, OMIM 601887.

Allele frequency attached by ClinVar (database versions not stated): TOPMed 0.00002; gnomAD 0.00004; gnomAD exomes 0.00010 and 0.00017; 1000 Genomes Project 30x 0.00016; ExAC 0.00017; 1000 Genomes Project 0.00020.
gnomAD v4.1: 152 of 1,614,062 alleles (0.0094%); highest among the groups gnomAD compares: South Asian, 0.16%; 2 homozygotes.

Submissions (6):

Labcorp Genetics (formerly Invitae), Labcorp
Classification: Likely benign for Hypokalemic periodic paralysis, type 1; Malignant hyperthermia, susceptibility to, 5. Last evaluated: 2025-11-22. Review status: criteria provided, single submitter. Criteria: Invitae Variant Classification Sherloc (09022015). Collection method: clinical testing. Allele origin: germline.

Fulgent Genetics
Classification: Uncertain significance for Hypokalemic periodic paralysis, type 1; Thyrotoxic periodic paralysis, susceptibility to, 1; Malignant hyperthermia, susceptibility to, 5; Congenital myopathy 18. Last evaluated: 2024-02-08. Review status: criteria provided, single submitter. Criteria: ACMG Guidelines, 2015. Collection method: clinical testing. Allele origin: germline.

All of Us Research Program, National Institutes of Health
Classification: Uncertain significance for Malignant hyperthermia, susceptibility to, 5. Last evaluated: 2024-01-03. Review status: criteria provided, single submitter. Criteria: ACMG Guidelines, 2015. Collection method: clinical testing. Allele origin: germline. Inheritance: Autosomal dominant inheritance. Observed: 4 variant alleles, 4 heterozygotes.
Comment: This missense variant replaces leucine with proline at codon 1628 of the CACNA1S protein. Computational prediction suggests that this variant may have deleterious impact on protein structure and function (internally defined REVEL score threshold >= 0.7, PMID: 27666373). To our knowledge, functional studies have not been reported for this variant. This variant has not been reported in individuals affected with CACNA1S-related disorders in the literature. This variant has been identified in 43/251468 chromosomes in the general population by the Genome Aggregation Database (gnomAD). The available evidence is insufficient to determine the role of this variant in disease conclusively. Therefore, this variant is classified as a Variant of Uncertain Significance.

This study involves interpretation of variants in research participants for the purpose of population health screening. Participant phenotype was not available at the time of variant classification. Additional details can be found in publication PMID: 35346344, PMCID: PMC8962531

Color Diagnostics, LLC DBA Color Health
Classification: Uncertain significance for Malignant hyperthermia, susceptibility to, 5. Last evaluated: 2023-12-12. Review status: criteria provided, single submitter. Criteria: ACMG Guidelines, 2015. Collection method: clinical testing. Allele origin: germline.
Comment: This missense variant replaces leucine with proline at codon 1628 of the CACNA1S protein. Computational prediction suggests that this variant may have deleterious impact on protein structure and function. To our knowledge, functional studies have not been reported for this variant. This variant has not been reported in individuals affected with CACNA1S-related disorders in the literature. This variant has been identified in 43/251468 chromosomes in the general population by the Genome Aggregation Database (gnomAD). The available evidence is insufficient to determine the role of this variant in disease conclusively. Therefore, this variant is classified as a Variant of Uncertain Significance.

Mayo Clinic Laboratories, Mayo Clinic
Classification: Uncertain significance. Last evaluated: 2023-03-23. Review status: criteria provided, single submitter. Criteria: ACMG Guidelines, 2015. Collection method: clinical testing. Allele origin: germline. Observed: 1 variant allele.

GeneDx
Classification: Uncertain significance. Last evaluated: 2022-08-30. Review status: criteria provided, single submitter. Criteria: GeneDx Variant Classification Process June 2021. Collection method: clinical testing. Allele origin: germline. Affected: yes.
Comment: In silico analysis supports that this missense variant has a deleterious effect on protein structure/function; Has not been previously published as pathogenic or benign to our knowledge